The following is an entry in ClinVar:

NM_182919.4(TICAM1):c.1264C>T (p.Pro422Ser)

Gene: TICAM1 (TIR domain containing adaptor molecule 1; minus strand). Cytogenetic location: 19p13.3.
Variant type: single nucleotide variant.
Coding change: c.1264C>T on transcript NM_182919.4 (MANE Select); coding-DNA position 1264, C replaced by T.
Protein change: p.Pro422Ser; replaces proline 422 with serine.
Molecular consequence: missense variant.
Genome position (GRCh38, 1-based): chr19:4,817,114, G>A on the plus strand (C>T on the coding strand, the complement: TICAM1 is on the minus strand). VCF-style: chr19-4817114-G-A. GRCh37 (hg19) VCF-style: chr19-4817126-G-A.
Other names: c.1222C>T, p.Pro408Ser (NM_001385678.1); c.1129C>T, p.Pro377Ser (NM_001385679.1); c.622C>T, p.Pro208Ser (NM_001385680.1); c.1264C>T (NM_182919.2); short protein forms P422S, P208S, P377S, P408S.
Identifiers: ClinVar variation 540512 (VCV000540512.7), dbSNP rs140568066, ClinGen allele CA9105165.

ClinVar aggregate classification (germline): Uncertain significance. Review status: criteria provided, multiple submitters, no conflicts (2 of 4 stars). 2 submissions from 2 submitters: Uncertain significance (2). Last evaluated 2025-02-07.

Conditions:
Encephalopathy, acute, infection-induced (herpes-specific), susceptibility to, 6. Also called: Herpes simplex encephalitis, susceptibility to, 4. Identifiers: Orphanet 1930, MedGen C3553869, MONDO:0013921, OMIM 614850.

Allele frequency attached by ClinVar (database versions not stated): gnomAD 0.00001; ExAC 0.00002; ESP Exome Variant Server 0.00008; gnomAD exomes 0.00001; TOPMed 0.00001.

Submissions (2):

Ambry Genetics
Classification: Uncertain significance. Last evaluated: 2025-02-07. Review status: criteria provided, single submitter. Criteria: Ambry Variant Classification Scheme 2023. Collection method: clinical testing. Allele origin: germline.

Labcorp Genetics (formerly Invitae), Labcorp
Classification: Uncertain significance for Encephalopathy, acute, infection-induced (herpes-specific), susceptibility to, 6. Last evaluated: 2021-08-28. Review status: criteria provided, single submitter. Criteria: Invitae Variant Classification Sherloc (09022015). Collection method: clinical testing. Allele origin: germline.
Comment: This sequence change replaces proline with serine at codon 422 of the TICAM1 protein (p.Pro422Ser). The proline residue is highly conserved and there is a moderate physicochemical difference between proline and serine. This variant is present in population databases (rs140568066, ExAC 0.02%). This variant has not been reported in the literature in individuals affected with TICAM1-related conditions. Algorithms developed to predict the effect of missense changes on protein structure and function output the following: SIFT: "Tolerated"; PolyPhen-2: "Benign"; Align-GVGD: "Class C0". The serine amino acid residue is found in multiple mammalian species, which suggests that this missense change does not adversely affect protein function. In summary, the available evidence is currently insufficient to determine the role of this variant in disease. Therefore, it has been classified as a Variant of Uncertain Significance.